The following is an entry in ClinVar:

ClinVar aggregate classification (germline): Uncertain significance. Review status: criteria provided, multiple submitters, no conflicts (2 of 4 stars). 4 submissions from 4 submitters: Uncertain significance (4). Last evaluated 2026-02-03.

Conditions:
IMPG2-related disorder. Also called: IMPG2-related condition.
Vitelliform macular dystrophy 5. Identifiers: Orphanet 99000, MedGen C4015343, MONDO:0014509, OMIM 616152.
Retinitis pigmentosa 56 (RP56). Identifiers: Orphanet 791, MedGen C3150819, MONDO:0013314, OMIM 613581.

Allele frequency attached by ClinVar (database versions not stated): TOPMed 0.00007; ExAC 0.00008; ESP Exome Variant Server 0.00008; gnomAD 0.00011; gnomAD exomes 0.00014.
gnomAD v4.1: 171 of 1,614,024 alleles (0.011%); highest among the groups gnomAD compares: Non-Finnish European, 0.013%; no homozygotes.

Submissions (4):

PreventionGenetics, part of Exact Sciences
Classification: Uncertain significance for IMPG2-related condition. Last evaluated: 2026-02-03. Review status: criteria provided, single submitter. Criteria: ACMG Guidelines, 2015. Collection method: clinical testing. Allele origin: germline.
Comment: The IMPG2 c.2056G>A variant is predicted to result in the amino acid substitution p.Ala686Thr. To our knowledge, this variant has not been reported in the literature. This variant is reported in 0.039% of alleles in individuals of Ashkenazi Jewish descent in gnomAD. At this time, the clinical significance of this variant is uncertain due to the absence of conclusive functional and genetic evidence.

Labcorp Genetics (formerly Invitae), Labcorp
Classification: Uncertain significance. Last evaluated: 2025-01-06. Review status: criteria provided, single submitter. Criteria: Invitae Variant Classification Sherloc (09022015). Collection method: clinical testing. Allele origin: germline.
Comment: This sequence change replaces alanine, which is neutral and non-polar, with threonine, which is neutral and polar, at codon 686 of the IMPG2 protein (p.Ala686Thr). This variant is present in population databases (rs148392938, gnomAD 0.04%). This variant has not been reported in the literature in individuals affected with IMPG2-related conditions. ClinVar contains an entry for this variant (Variation ID: 957924). Invitae Evidence Modeling of protein sequence and biophysical properties (such as structural, functional, and spatial information, amino acid conservation, physicochemical variation, residue mobility, and thermodynamic stability) indicates that this missense variant is not expected to disrupt IMPG2 protein function with a negative predictive value of 80%. In summary, the available evidence is currently insufficient to determine the role of this variant in disease. Therefore, it has been classified as a Variant of Uncertain Significance.

Blueprint Genetics
Classification: Uncertain significance. Last evaluated: 2024-07-02. Review status: criteria provided, single submitter. Criteria: ACMG Guidelines, 2015. Collection method: clinical testing. Allele origin: germline.

Department of Pathology and Laboratory Medicine, Sinai Health System
Classification: Uncertain significance for Retinitis pigmentosa 56; Vitelliform macular dystrophy 5. Last evaluated: 2022-03-07. Review status: criteria provided, single submitter. Criteria: ACMG Guidelines, 2015. Collection method: research. Allele origin: germline.

NM_016247.4(IMPG2):c.2056G>A (p.Ala686Thr)

Gene: IMPG2 (interphotoreceptor matrix proteoglycan 2; minus strand). Cytogenetic location: 3q12.3.
Variant type: single nucleotide variant.
Coding change: c.2056G>A on transcript NM_016247.4 (MANE Select); coding-DNA position 2056, G replaced by A.
Protein change: p.Ala686Thr; replaces alanine 686 with threonine.
Molecular consequence: missense variant.
Genome position (GRCh38, 1-based): chr3:101,244,275, C>T on the plus strand (G>A on the coding strand, the complement: IMPG2 is on the minus strand). VCF-style: chr3-101244275-C-T. GRCh37 (hg19) VCF-style: chr3-100963119-C-T.
Other names: short protein forms A686T.
Identifiers: ClinVar variation 957924 (VCV000957924.9), dbSNP rs148392938, ClinGen allele CA2519050.
Genomic context (GRCh38, chr3:101,244,275, plus strand): 5'-TGTGCTTGGGGAGGGTTAGAGACGCAGATTCAGCTGCAGTATCTGCGAAGATGGGCACAG[C>T]AGGCCCACTAAGAGGCTCTTCCTCTGGAAAGTGTGTGGATCTGTCATCATGTTCATATTT-3'
Protein context (NP_057331.2, residues 676-696): FPEEEPLSGP[Ala686Thr]VPIFADTAAE